The following is an entry in ClinVar:

ClinVar aggregate classification (germline): Likely benign. Review status: criteria provided, multiple submitters, no conflicts (2 of 4 stars). 2 submissions from 2 submitters: Likely benign (2). Last evaluated 2026-09-01.

Conditions:
Early-onset Parkinson disease 20. Also called: PARKINSON DISEASE 20, AUTOSOMAL RECESSIVE EARLY-ONSET. Identifiers: Orphanet 391411, MedGen C3809824, MONDO:0014233, OMIM 615530.
Developmental and epileptic encephalopathy, 53. Also called: Epileptic encephalopathy, early infantile, 53. Identifiers: MedGen C4479313, MONDO:0033362, OMIM 617389.

Submissions (2):

CeGaT Center for Human Genetics Tuebingen
Classification: Likely benign. Last evaluated: 2026-09-01. Review status: criteria provided, single submitter. Criteria: CeGaT Center For Human Genetics Tuebingen Variant Classification Criteria Version 2. Collection method: clinical testing. Allele origin: germline. Affected: yes. Observed: 1 variant allele.
Comment: SYNJ1: PM2:Supporting, BP4, BP7

Labcorp Genetics (formerly Invitae), Labcorp
Classification: Likely benign for Developmental and epileptic encephalopathy, 53; Early-onset Parkinson disease 20. Last evaluated: 2025-04-08. Review status: criteria provided, single submitter. Criteria: Invitae Variant Classification Sherloc (09022015). Collection method: clinical testing. Allele origin: germline.

NM_203446.3(SYNJ1):c.-58C>T

Gene: SYNJ1 (synaptojanin 1; minus strand). Cytogenetic location: 21q22.11.
Variant type: single nucleotide variant.
Coding change: c.-58C>T on transcript NM_203446.3 (MANE Select); 58 bases upstream of the start codon, C replaced by T.
Molecular consequence: 5 prime UTR variant. On other transcripts: synonymous variant (1).
Genome position (GRCh38, 1-based): chr21:32,727,981, G>A on the plus strand (C>T on the coding strand, the complement: SYNJ1 is on the minus strand). VCF-style: chr21-32727981-G-A. GRCh37 (hg19) VCF-style: chr21-34100292-G-A.
Other names: c.60C>T, p.Gly20= (NM_003895.4).
Identifiers: ClinVar variation 2120663 (VCV002120663.5), dbSNP rs2146447738, ClinGen allele CA512150518.
Genomic context (GRCh38, chr21:32,727,981, plus strand): 5'-CCCCGCCCCCCGCCGGCTTGCTCACCTCTTCCTCCGGCTCCTCCTCCTCCTTCTCCCGCA[G>A]CCGCCGCCACAGCCGCCGGGAGCGTCACTTCCGCTCCAGCAGGCCCATCTCTTCCGCATT-3'